The following is an entry in ClinVar:

ClinVar aggregate classification (germline): Uncertain significance (1 of 4 stars; one submission).

Conditions:
ALG6-congenital disorder of glycosylation 1C (CDG1C). Also called: CDG Ic; CARBOHYDRATE-DEFICIENT GLYCOPROTEIN SYNDROME, TYPE I, WITH DEFICIENT GLYCOSYLATION OF DOLICHOL-LINKED OLIGOSACCHARIDE; CARBOHYDRATE-DEFICIENT GLYCOPROTEIN SYNDROME, TYPE V; Congenital disorder of glycosylation type 1C; Congenital disorder of glycosylation, type Ic. Identifiers: Orphanet 79320, MedGen C2930997, MONDO:0011291, OMIM 603147.

Submission:

Labcorp Genetics (formerly Invitae), Labcorp
Classification: Uncertain significance for ALG6-congenital disorder of glycosylation 1C. Last evaluated: 2022-09-13. Review status: criteria provided, single submitter. Criteria: Invitae Variant Classification Sherloc (09022015). Collection method: clinical testing. Allele origin: germline.
Comment: This sequence change creates a premature translational stop signal (p.Val458Hisfs*32) in the ALG6 gene. While this is not anticipated to result in nonsense mediated decay, it is expected to disrupt the last 50 amino acid(s) of the ALG6 protein. This variant is not present in population databases (gnomAD no frequency). This variant has not been reported in the literature in individuals affected with ALG6-related conditions. This variant disrupts a region of the ALG6 protein in which other variant(s) (p.Ser478Pro) have been observed in individuals with ALG6-related conditions (PMID: 10914684). This suggests that this is a clinically significant region of the protein, and that variants that disrupt it are likely to be disease-causing. In summary, the available evidence is currently insufficient to determine the role of this variant in disease. Therefore, it has been classified as a Variant of Uncertain Significance.

Literature cited by the submitters: PubMed 10914684.

NM_013339.4(ALG6):c.1372_1373del (p.Val458fs)

Gene: ALG6 (ALG6 alpha-1,3-glucosyltransferase; plus strand). Cytogenetic location: 1p31.3.
Variant type: Deletion.
Coding change: c.1372_1373del on transcript NM_013339.4 (MANE Select); coding-DNA positions 1372 to 1373, 2 bases deleted (GT; older notation c.1372_1373delGT).
Protein change: p.Val458fs; shifts the reading frame from valine 458.
Molecular consequence: frameshift variant.
Genome position (GRCh38, 1-based): chr1:63,436,868-63,436,869, GT deleted; deleting any 2 consecutive bases within chr1:63,436,867-63,436,869 gives the same sequence; the c. name uses the placement nearest the transcript's 3' end. VCF-style (leftmost placement, unchanged base first): chr1-63436866-CTG-C. GRCh37 (hg19) VCF-style: chr1-63902537-CTG-C.
Other names: short protein forms V458fs.
Identifiers: ClinVar variation 1967206 (VCV001967206.2), dbSNP rs2523811137, ClinGen allele CA2580063153.
Genomic context (GRCh38, chr1:63,436,866, plus strand): 5'-CCTTTTTTTCCTTGCAGTTTCTTATCTCAGTCATCACTATGGTGCTTCTGACGTTGATGA[CTG>C]TCACACTGGATCCTCCTCAGAAACTACCGGACTTGTTTTCTGTATTGGTGTGTTTTGTAT-3'